The following is an entry in ClinVar:

ClinVar aggregate classification (germline): Pathogenic/Likely pathogenic. Review status: criteria provided, multiple submitters, no conflicts (2 of 4 stars). 3 submissions from 3 submitters: Pathogenic (1); Likely pathogenic (2). Last evaluated 2026-09-29.

Conditions:
LAMA1-related disorder. Also called: LAMA1-related disorders; LAMA1-related condition.
Ataxia - intellectual disability - oculomotor apraxia - cerebellar cysts syndrome. Also called: Poretti-Boltshauser syndrome. Identifiers: Orphanet 370022, MedGen C4014821, MONDO:0014419, OMIM 615960.

Submissions (3):

GeneDx
Classification: Likely pathogenic. Last evaluated: 2026-09-29. Review status: criteria provided, single submitter. Criteria: GeneDx Variant Classification Process June 2021. Collection method: clinical testing. Allele origin: germline.
Comment: Frameshift variant predicted to result in protein truncation or nonsense mediated decay in a gene for which loss of function is a known mechanism of disease; Not observed at significant frequency in large population cohorts (gnomAD); This variant is associated with the following publications: (PMID: 31964843, 33767182)

Blueprint Genetics
Classification: Likely pathogenic for LAMA1-related disorders. Last evaluated: 2022-04-27. Review status: criteria provided, single submitter. Criteria: ACMG Guidelines, 2015. Collection method: clinical testing. Allele origin: germline. Affected: yes. Observed: 1 variant allele.

Victorian Clinical Genetics Services, Murdoch Childrens Research Institute
Classification: Pathogenic for Ataxia - intellectual disability - oculomotor apraxia - cerebellar cysts syndrome. Last evaluated: 2022-02-02. Review status: criteria provided, single submitter. Criteria: ACMG Guidelines, 2015. Collection method: clinical testing. Allele origin: germline. Inheritance: Autosomal recessive inheritance.
Comment: Based on the classification scheme VCGS_Germline_v1.3.4, this variant is classified as Pathogenic. Following criteria are met: 0102 - Loss of function is a known mechanism of disease in this gene and is associated with Poretti-Boltshauser syndrome (MIM#615960). (I) 0106 - This gene is associated with autosomal recessive disease. (I) 0201 - Variant is predicted to cause nonsense-mediated decay (NMD) and loss of protein (premature termination codon is located at least 54 nucleotides upstream of the final exon-exon junction). (SP) 0251 - This variant is heterozygous. (I) 0304 - Variant is present in gnomAD (v3) <0.01 for a recessive condition (2 heterozygotes, 0 homozygotes). (SP) 0701 - Other NMD-predicted variants comparable to the one identified in this case have very strong previous evidence for pathogenicity. Many other variants predicted to result in a loss of function have previously been reported in individuals with Poretti-Boltshauser syndrome (MIM#615960) (ClinVar, DECIPHER). (SP) 0803 - This variant has limited previous evidence of pathogenicity in an unrelated individual. The variant has previously been classified as pathogenic and reported in trans with a likely pathogenic missense in an individual diagnosed with Poretti-Boltshauser syndrome (MIM#615960) (PMID: 33767182). (SP) 0905 - No published segregation evidence has been identified for this variant. (I) 1007 - No published functional evidence has been identified for this variant. (I) 1208 - Inheritance information for this variant is not currently available in this individual. (I) Legend: (SP) - Supporting pathogenic, (I) - Information, (SB) - Supporting benign

Literature cited by the submitters: PubMed 33767182 (cited by Victorian Clinical Genetics Services, Murdoch Childrens Research Institute).

NM_005559.4(LAMA1):c.6333dup (p.Gln2112fs)

Gene: LAMA1 (laminin subunit alpha 1; minus strand). Cytogenetic location: 18p11.31.
Variant type: Duplication.
Coding change: c.6333dup on transcript NM_005559.4 (MANE Select); coding-DNA position 6333, one base duplicated (A; older notation c.6333dupA).
Protein change: p.Gln2112fs; shifts the reading frame from glutamine 2112.
Molecular consequence: frameshift variant.
Genome position (GRCh38, 1-based): chr18:6,977,739, T duplicated on the plus strand (A on the coding strand, the reverse complement: LAMA1 is on the minus strand); the first of 3 consecutive T bases (chr18:6,977,739-6,977,741); duplicating any one gives the same sequence. VCF-style (leftmost placement, unchanged base first): chr18-6977738-G-GT. GRCh37 (hg19) VCF-style: chr18-6977737-G-GT.
Other names: c.6333dupA (NM_005559.3); c.6333dup (NM_005559.3); short protein forms Q2112fs.
Identifiers: ClinVar variation 1805047 (VCV001805047.4), dbSNP rs997313077, ClinGen allele CA295756134.